The following is an entry in ClinVar:

NM_003664.5(AP3B1):c.1651A>C (p.Thr551Pro)

Gene: AP3B1 (adaptor related protein complex 3 subunit beta 1; minus strand). Cytogenetic location: 5q14.1.
Variant type: single nucleotide variant.
Coding change: c.1651A>C on transcript NM_003664.5 (MANE Select); coding-DNA position 1651, A replaced by C.
Protein change: p.Thr551Pro; replaces threonine 551 with proline.
Molecular consequence: missense variant.
Genome position (GRCh38, 1-based): chr5:78,129,307, T>G on the plus strand (A>C on the coding strand, the complement: AP3B1 is on the minus strand). VCF-style: chr5-78129307-T-G. GRCh37 (hg19) VCF-style: chr5-77425131-T-G.
Other names: p.Thr551Pro; c.1504A>C, p.Thr502Pro (NM_001271769.2); c.1651A>C, p.Thr551Pro (NM_001410752.1); short protein forms T502P, T551P.
Identifiers: ClinVar variation 2682891 (VCV002682891.1), dbSNP rs1752595379, ClinGen allele CA360188263.

ClinVar aggregate classification (germline): Uncertain significance (1 of 4 stars; one submission).

Allele frequency attached by ClinVar (database versions not stated): gnomAD exomes below 0.00001; TOPMed below 0.00001; gnomAD 0.00001.
gnomAD v4.1: 4 of 1,609,312 alleles (0.00025%); highest among the groups gnomAD compares: African/African-American, 0.004%; no homozygotes.

Submission:

Mayo Clinic Laboratories, Mayo Clinic
Classification: Uncertain significance. Last evaluated: 2022-03-08. Review status: criteria provided, single submitter. Criteria: ACMG Guidelines, 2015. Collection method: clinical testing. Allele origin: germline. Observed: 1 variant allele.
Comment: PM2_supporting